The following is an entry in ClinVar:

NM_001267550.2(TTN):c.97973G>A (p.Arg32658Gln)

Genes: TTN (titin; minus strand), TTN-AS1 (TTN antisense RNA 1; plus strand). Cytogenetic location: 2q31.2.
Variant type: single nucleotide variant.
Coding change: c.97973G>A on transcript NM_001267550.2 (MANE Select); coding-DNA position 97973, G replaced by A.
Protein change: p.Arg32658Gln; replaces arginine 32658 with glutamine.
Molecular consequence: missense variant.
Genome position (GRCh38, 1-based): chr2:178,540,193, C>T on the plus strand (G>A on the coding strand, the complement: TTN is on the minus strand). VCF-style: chr2-178540193-C-T. GRCh37 (hg19) VCF-style: chr2-179404920-C-T.
Other names: p.R31017Q:CGA>CAA; c.93050G>A, p.Arg31017Gln (NM_001256850.1); c.70778G>A, p.Arg23593Gln (NM_003319.4); c.90269G>A, p.Arg30090Gln (NM_133378.4); c.71153G>A, p.Arg23718Gln (NM_133432.3); c.71354G>A, p.Arg23785Gln (NM_133437.4); short protein forms R31017Q, R32658Q, R23593Q, R23785Q, R23718Q, R30090Q.
Identifiers: ClinVar variation 203035 (VCV000203035.5), dbSNP rs769581585, ClinGen allele CA311043.

ClinVar aggregate classification (germline): Conflicting classifications of pathogenicity. Review status: criteria provided, conflicting classifications (1 of 4 stars). 2 submissions from 2 submitters: Uncertain significance (1); Likely benign (1). Last evaluated 2021-03-25.

Conditions:
Cardiovascular phenotype. Identifiers: MedGen CN230736.

Allele frequency attached by ClinVar (database versions not stated): gnomAD exomes 0.00001 and 0.00004; TOPMed 0.00001; ExAC 0.00005.
gnomAD v4.1: 20 of 1,613,780 alleles (0.0012%); highest among the groups gnomAD compares: South Asian, 0.014%; 1 homozygote.

Submissions (2):

GeneDx
Classification: Likely benign. Last evaluated: 2021-03-25. Review status: criteria provided, single submitter. Criteria: GeneDx Variant Classification Process June 2021. Collection method: clinical testing. Allele origin: germline. Affected: yes.
Comment: Has not been previously published as pathogenic or benign to our knowledge

Ambry Genetics
Classification: Uncertain significance for Cardiovascular phenotype. Last evaluated: 2020-01-02. Review status: criteria provided, single submitter. Criteria: Ambry Variant Classification Scheme 2023. Collection method: clinical testing. Allele origin: germline.
Comment: The p.R23593Q variant (also known as c.70778G>A), located in coding exon 178 of the TTN gene, results from a G to A substitution at nucleotide position 70778. The arginine at codon 23593 is replaced by glutamine, an amino acid with highly similar properties. This amino acid position is not well conserved in available vertebrate species. In addition, this alteration is predicted to be tolerated by in silico analysis. Since supporting evidence is limited at this time, the clinical significance of this alteration remains unclear.